The following is an entry in ClinVar:

NM_000465.4(BARD1):c.2185G>T (p.Asp729Tyr)

Gene: BARD1 (BRCA1 associated RING domain 1; minus strand). Cytogenetic location: 2q35.
Variant type: single nucleotide variant.
Coding change: c.2185G>T on transcript NM_000465.4 (MANE Select); coding-DNA position 2185, G replaced by T.
Protein change: p.Asp729Tyr; replaces aspartic acid 729 with tyrosine.
Molecular consequence: missense variant. On other transcripts: non-coding transcript variant (3).
Genome position (GRCh38, 1-based): chr2:214,728,825, C>A on the plus strand (G>T on the coding strand, the complement: BARD1 is on the minus strand). VCF-style: chr2-214728825-C-A. GRCh37 (hg19) VCF-style: chr2-215593549-C-A.
Other names: c.2128G>T, p.Asp710Tyr (NM_001282543.2); c.832G>T, p.Asp278Tyr (NM_001282545.2); c.775G>T, p.Asp259Tyr (NM_001282548.2); c.646G>T, p.Asp216Tyr (NM_001282549.2); short protein forms D216Y, D710Y, D729Y, D259Y, D278Y.
Identifiers: ClinVar variation 1787328 (VCV001787328.4), dbSNP rs1443031799, ClinGen allele CA350450330.

ClinVar aggregate classification (germline): Uncertain significance. Review status: criteria provided, multiple submitters, no conflicts (2 of 4 stars). 2 submissions from 2 submitters: Uncertain significance (2). Last evaluated 2024-11-27.

Conditions:
Hereditary cancer-predisposing syndrome. Also called: Neoplastic Syndromes, Hereditary; Tumor predisposition; Hereditary Cancer Syndrome; Hereditary neoplastic syndrome. Identifiers: Orphanet 140162, MedGen C0027672, MeSH D009386, MONDO:0015356.
Familial cancer of breast. Also called: BREAST CANCER, FAMILIAL; Hereditary breast cancer; hereditary breast carcinoma. Identifiers: Orphanet 227535, MedGen C0346153, MONDO:0016419, OMIM 114480. Disease mechanism: loss of function.

gnomAD v4.1: 2 of 1,614,184 alleles (0.00012%); highest among the groups gnomAD compares: Non-Finnish European, 0.00017%; no homozygotes.

Submissions (2):

Labcorp Genetics (formerly Invitae), Labcorp
Classification: Uncertain significance for Familial cancer of breast. Last evaluated: 2024-11-27. Review status: criteria provided, single submitter. Criteria: Invitae Variant Classification Sherloc (09022015). Collection method: clinical testing. Allele origin: germline.
Comment: This sequence change replaces aspartic acid, which is acidic and polar, with tyrosine, which is neutral and polar, at codon 729 of the BARD1 protein (p.Asp729Tyr). This variant is present in population databases (no rsID available, gnomAD 0.0009%). This variant has not been reported in the literature in individuals affected with BARD1-related conditions. ClinVar contains an entry for this variant (Variation ID: 1787328). An algorithm developed to predict the effect of missense changes on protein structure and function (PolyPhen-2) suggests that this variant is likely to be disruptive. In summary, the available evidence is currently insufficient to determine the role of this variant in disease. Therefore, it has been classified as a Variant of Uncertain Significance.

Ambry Genetics
Classification: Uncertain significance for Hereditary cancer-predisposing syndrome. Last evaluated: 2017-11-09. Review status: criteria provided, single submitter. Criteria: Ambry Variant Classification Scheme 2023. Collection method: clinical testing. Allele origin: germline.
Comment: The p.D729Y variant (also known as c.2185G>T), located in coding exon 11 of the BARD1 gene, results from a G to T substitution at nucleotide position 2185. The aspartic acid at codon 729 is replaced by tyrosine, an amino acid with highly dissimilar properties. This amino acid position is highly conserved in available vertebrate species. In addition, this alteration is predicted to be deleterious by in silico analysis. Since supporting evidence is limited at this time, the clinical significance of this alteration remains unclear.